The following is an entry in ClinVar:

NM_020778.5(ALPK3):c.1867A>G (p.Arg623Gly)

Gene: ALPK3 (alpha kinase 3; plus strand). Cytogenetic location: 15q25.3.
Variant type: single nucleotide variant.
Coding change: c.1867A>G on transcript NM_020778.5 (MANE Select); coding-DNA position 1867, A replaced by G.
Protein change: p.Arg623Gly; replaces arginine 623 with glycine.
Molecular consequence: missense variant.
Genome position (GRCh38, 1-based): chr15:84,856,605, A>G. VCF-style: chr15-84856605-A-G. GRCh37 (hg19) VCF-style: chr15-85399836-A-G.
Other names: short protein forms R623G.
Identifiers: ClinVar variation 4767150 (VCV004767150.1).

ClinVar aggregate classification (germline): Uncertain significance (1 of 4 stars; one submission).

gnomAD v4.1: 2 of 1,614,182 alleles (0.00012%); highest among the groups gnomAD compares: African/African-American, 0.0013%; no homozygotes.

Submission:

Labcorp Genetics (formerly Invitae), Labcorp
Classification: Uncertain significance. Last evaluated: 2025-12-08. Review status: criteria provided, single submitter. Criteria: Invitae Variant Classification Sherloc (09022015). Collection method: clinical testing. Allele origin: germline.
Comment: This sequence change replaces arginine, which is basic and polar, with glycine, which is neutral and non-polar, at codon 825 of the ALPK3 protein (p.Arg825Gly). This variant is not present in population databases (gnomAD no frequency). This variant has not been reported in the literature in individuals affected with ALPK3-related conditions. Invitae Evidence Modeling of protein sequence and biophysical properties (such as structural, functional, and spatial information, amino acid conservation, physicochemical variation, residue mobility, and thermodynamic stability) indicates that this missense variant is not expected to disrupt ALPK3 protein function with a negative predictive value of 80%. In summary, the available evidence is currently insufficient to determine the role of this variant in disease. Therefore, it has been classified as a Variant of Uncertain Significance.